The following is an entry in ClinVar:

NM_000019.4(ACAT1):c.238+2T>A

Gene: ACAT1 (acetyl-CoA acetyltransferase 1; plus strand). Cytogenetic location: 11q22.3.
Variant type: single nucleotide variant.
Coding change: c.238+2T>A on transcript NM_000019.4 (MANE Select); the canonical splice donor site of the intron after coding-DNA position 238, T replaced by A.
Molecular consequence: splice donor variant. On other transcripts: intron variant (1).
Genome position (GRCh38, 1-based): chr11:108,133,939, T>A. VCF-style: chr11-108133939-T-A. GRCh37 (hg19) VCF-style: chr11-108004666-T-A.
Other names: c.-33+2T>A (NM_001386682.1, NM_001386681.1, NM_001386685.1 and 6 more transcripts); c.238+2T>A (NM_001386677.1); c.-40+2T>A (NM_001386679.1); c.120+1985T>A (NM_001386678.1).
Identifiers: ClinVar variation 1332697 (VCV001332697.6), dbSNP rs2135334862, ClinGen allele CA382506450.
Genomic context (GRCh38, chr11:108,133,939, plus strand): 5'-CTTGCTGCCAGCCACTAAGCTTGGTTCCATTGCAATTCAGGGAGCCATTGAAAAGGCAGG[T>A]CAGTAGTTACTTGGCTTTTTGTGTTAAGGGAGCAAAAAGATTCCATGGAAAAGATATTTA-3'

ClinVar aggregate classification (germline): Pathogenic/Likely pathogenic. Review status: criteria provided, multiple submitters, no conflicts (2 of 4 stars). 2 submissions from 2 submitters: Pathogenic (1); Likely pathogenic (1). Last evaluated 2022-06-21.

Conditions:
Deficiency of acetyl-CoA acetyltransferase. Also called: 3-KETOTHIOLASE DEFICIENCY; 3-OXOTHIOLASE DEFICIENCY; MITOCHONDRIAL ACETOACETYL-CoA THIOLASE DEFICIENCY; Beta-ketothiolase deficiency. Identifiers: Orphanet 134, MedGen C1536500, MONDO:0008760, OMIM 203750. Disease mechanism: loss of function.

Submissions (2):

Labcorp Genetics (formerly Invitae), Labcorp
Classification: Likely pathogenic for Deficiency of acetyl-CoA acetyltransferase. Last evaluated: 2022-06-21. Review status: criteria provided, single submitter. Criteria: Invitae Variant Classification Sherloc (09022015). Collection method: clinical testing. Allele origin: germline.
Comment: In summary, the currently available evidence indicates that the variant is pathogenic, but additional data are needed to prove that conclusively. Therefore, this variant has been classified as Likely Pathogenic. Algorithms developed to predict the effect of sequence changes on RNA splicing suggest that this variant may disrupt the consensus splice site. ClinVar contains an entry for this variant (Variation ID: 1332697). Disruption of this splice site has been observed in individual(s) with a positive newborn screening result for ACAT1-related disease (PMID: 31156707). This variant is not present in population databases (gnomAD no frequency). This sequence change affects a donor splice site in intron 3 of the ACAT1 gene. It is expected to disrupt RNA splicing. Variants that disrupt the donor or acceptor splice site typically lead to a loss of protein function (PMID: 16199547), and loss-of-function variants in ACAT1 are known to be pathogenic (PMID: 7749408).

Kasturba Medical College, Manipal, Kasturba Medical College, Manipal, Manipal Academy of Higher Education, Manipal, India
Classification: Pathogenic for Deficiency of acetyl-CoA acetyltransferase. Review status: criteria provided, single submitter. Criteria: ACMG Guidelines, 2015. Collection method: clinical testing. Allele origin: inherited. Affected: yes.

Literature cited by the submitters: PubMed 31156707 (cited by Labcorp Genetics (formerly Invitae), Labcorp); PubMed 16199547 (cited by Labcorp Genetics (formerly Invitae), Labcorp); PubMed 7749408 (cited by Labcorp Genetics (formerly Invitae), Labcorp).